The following is an entry in ClinVar:

ClinVar aggregate classification (germline): Likely pathogenic (1 of 4 stars; one submission).

Submission:

Labcorp Genetics (formerly Invitae), Labcorp
Classification: Likely pathogenic. Last evaluated: 2021-08-16. Review status: criteria provided, single submitter. Criteria: Invitae Variant Classification Sherloc (09022015). Collection method: clinical testing. Allele origin: germline.
Comment: In summary, the currently available evidence indicates that the variant is pathogenic, but additional data are needed to prove that conclusively. Therefore, this variant has been classified as Likely Pathogenic. This sequence change affects a splice site in intron 49 of the COL4A3 gene. It is expected to disrupt RNA splicing. Variants that disrupt the donor or acceptor splice site typically lead to a loss of protein function (PMID: 16199547), and loss-of-function variants in COL4A3 are known to be pathogenic (PMID: 8956999, 24854265, 26809805, 27281700). This variant is not present in population databases (ExAC no frequency). Disruption of this splice site has been observed in individual(s) with Alport syndrome (Invitae). Algorithms developed to predict the effect of sequence changes on RNA splicing suggest that this variant may disrupt the consensus splice site.

Literature cited by the submitters: PubMed 16199547; PubMed 8956999; PubMed 24854265; PubMed 26809805; PubMed 27281700.

NM_000091.5(COL4A3):c.4640_4640+11del

Genes: COL4A3 (collagen type IV alpha 3 chain; plus strand), MFF-DT (MFF divergent transcript; minus strand). Cytogenetic location: 2q36.3.
Variant type: Deletion.
Coding change: c.4640_4640+11del on transcript NM_000091.5 (MANE Select); coding-DNA position 4640 through 11 bases into the intron after coding-DNA position 4640, 12 bases deleted (GGTAAAAATCCA).
Molecular consequence: splice donor variant.
Genome position (GRCh38, 1-based): chr2:227,309,076-227,309,087, GGTAAAAATCCA deleted; deleting any 12 consecutive bases within chr2:227,309,074-227,309,087 gives the same sequence; the c. name uses the placement nearest the transcript's 3' end. VCF-style (leftmost placement, unchanged base first): chr2-227309073-GCAGGTAAAAATC-G. GRCh37 (hg19) VCF-style: chr2-228173789-GCAGGTAAAAATC-G.
Identifiers: ClinVar variation 1525227 (VCV001525227.6), dbSNP rs2106288671, ClinGen allele CA2573135487.